The following is an entry in ClinVar:

NM_001378778.1(MPDZ):c.1431A>G (p.Thr477=)

Gene: MPDZ (multiple PDZ domain crumbs cell polarity complex component; minus strand). Cytogenetic location: 9p23.
Variant type: single nucleotide variant.
Coding change: c.1431A>G on transcript NM_001378778.1 (MANE Select); coding-DNA position 1431, A replaced by G.
Protein change: p.Thr477=; no amino-acid change (threonine 477 retained).
Molecular consequence: synonymous variant.
Genome position (GRCh38, 1-based): chr9:13,205,959, T>C on the plus strand (A>G on the coding strand, the complement: MPDZ is on the minus strand). VCF-style: chr9-13205959-T-C. GRCh37 (hg19) VCF-style: chr9-13205958-T-C.
Other names: c.1431A>G, p.Thr477= (NM_001261406.2, NM_001261407.2, NM_001330637.2 and 14 more transcripts).
Identifiers: ClinVar variation 748915 (VCV000748915.30), dbSNP rs369350318, ClinGen allele CA4987783.

ClinVar aggregate classification (germline): Likely benign. Review status: criteria provided, multiple submitters, no conflicts (2 of 4 stars). 2 submissions from 2 submitters: Likely benign (2). Last evaluated 2026-02-02.

Allele frequency attached by ClinVar (database versions not stated): TOPMed 0.00007; ESP Exome Variant Server 0.00017.
gnomAD v4.1: 191 of 1,608,988 alleles (0.012%); highest among the groups gnomAD compares: Middle Eastern, 0.017%; no homozygotes.

Submissions (2):

Labcorp Genetics (formerly Invitae), Labcorp
Classification: Likely benign. Last evaluated: 2026-02-02. Review status: criteria provided, single submitter. Criteria: Invitae Variant Classification Sherloc (09022015). Collection method: clinical testing. Allele origin: germline.

CeGaT Center for Human Genetics Tuebingen
Classification: Likely benign. Last evaluated: 2024-07-01. Review status: criteria provided, single submitter. Criteria: CeGaT Center For Human Genetics Tuebingen Variant Classification Criteria Version 2. Collection method: clinical testing. Allele origin: germline. Affected: yes. Observed: 2 variant alleles.
Comment: MPDZ: BP4, BP7